The following is an entry in ClinVar:

NM_001365902.3(NFIX):c.1423T>C (p.Ser475Pro)

Gene: NFIX (nuclear factor I X; plus strand). Cytogenetic location: 19p13.13.
Variant type: single nucleotide variant.
Coding change: c.1423T>C on transcript NM_001365902.3 (MANE Select); coding-DNA position 1423, T replaced by C.
Protein change: p.Ser475Pro; replaces serine 475 with proline.
Molecular consequence: missense variant. On other transcripts: synonymous variant (5).
Genome position (GRCh38, 1-based): chr19:13,090,319, T>C. VCF-style: chr19-13090319-T-C. GRCh37 (hg19) VCF-style: chr19-13201133-T-C.
Other names: c.1251T>C, p.Pro417= (NM_001271044.3); c.1152T>C, p.Pro384= (NM_001365982.2); c.1134T>C, p.Pro378= (NM_001365983.2); c.1420T>C, p.Ser474Pro (NM_001365984.2); c.1272T>C, p.Pro424= (NM_001365985.2); c.1399T>C, p.Ser467Pro (NM_001378404.1); c.1471T>C, p.Ser491Pro (NM_001378405.1); c.1275T>C, p.Pro425= (NM_002501.4); and 1 more; short protein forms S467P, S475P, S483P, S474P, S491P.
Identifiers: ClinVar variation 862100 (VCV000862100.10), dbSNP rs2018055834, ClinGen allele CA404309823.
Genomic context (GRCh38, chr19:13,090,319, plus strand): 5'-GCCTGACAGGGTCTCTCCCTCTCTCCCCTGCTCCCCACAGCATTCGCAACGACAGGCGCC[T>C]CCTCTGCCAACCGGTTTGTCAGCATCGGACCCCGGGACGGCAACTTTCTGAACATCCCAC-3'
Protein context (NP_001352831.1, residues 465-485): PSPSFATTGA[Ser475Pro]SANRFVSIGP

ClinVar aggregate classification (germline): Uncertain significance (1 of 4 stars; one submission).

Conditions:
Marshall-Smith syndrome (MRSHSS). Identifiers: Orphanet 561, MedGen C0265211, MONDO:0011244, OMIM 602535.
Malan overgrowth syndrome (MALNS). Also called: MALAN SYNDROME; Sotos syndrome 2; NFIX-Related Malan Syndrome. Identifiers: Orphanet 420179, MedGen C3553660, MONDO:0013885, OMIM 614753.

Submission:

Labcorp Genetics (formerly Invitae), Labcorp
Classification: Uncertain significance for Malan overgrowth syndrome; Marshall-Smith syndrome. Last evaluated: 2019-03-06. Review status: criteria provided, single submitter. Criteria: Invitae Variant Classification Sherloc (09022015). Collection method: clinical testing. Allele origin: germline.
Comment: In summary, the available evidence is currently insufficient to determine the role of this variant in disease. Therefore, it has been classified as a Variant of Uncertain Significance. Algorithms developed to predict the effect of missense changes on protein structure and function are either unavailable or do not agree on the potential impact of this missense change (SIFT: "Deleterious"; PolyPhen-2: Benign; Align-GVGD: "Class C0"). This variant has not been reported in the literature in individuals with NFIX-related conditions. This variant is not present in population databases (ExAC no frequency). This sequence change replaces serine with proline at codon 483 of the NFIX protein (p.Ser483Pro). The serine residue is moderately conserved and there is a moderate physicochemical difference between serine and proline.